The following is an entry in ClinVar:

ClinVar aggregate classification (germline): Uncertain significance (1 of 4 stars; one submission).

Submission:

Ambry Genetics
Classification: Uncertain significance. Last evaluated: 2023-11-23. Review status: criteria provided, single submitter. Criteria: Ambry Variant Classification Scheme 2023. Collection method: clinical testing. Allele origin: germline.
Comment: The p.C708Y variant (also known as c.2123G>A), located in coding exon 1 of the MLH3 gene, results from a G to A substitution at nucleotide position 2123. The cysteine at codon 708 is replaced by tyrosine, an amino acid with highly dissimilar properties. This amino acid position is conserved. In addition, this alteration is predicted to be tolerated by in silico analysis. Since supporting evidence is limited at this time, the clinical significance of this alteration remains unclear.

NM_001040108.2(MLH3):c.2123G>A (p.Cys708Tyr)

Gene: MLH3 (mutL homolog 3; minus strand). Cytogenetic location: 14q24.3.
Variant type: single nucleotide variant.
Coding change: c.2123G>A on transcript NM_001040108.2 (MANE Select); coding-DNA position 2123, G replaced by A.
Protein change: p.Cys708Tyr; replaces cysteine 708 with tyrosine.
Molecular consequence: missense variant.
Genome position (GRCh38, 1-based): chr14:75,047,533, C>T on the plus strand (G>A on the coding strand, the complement: MLH3 is on the minus strand). VCF-style: chr14-75047533-C-T. GRCh37 (hg19) VCF-style: chr14-75514236-C-T.
Other names: c.2123G>A, p.Cys708Tyr (NM_014381.3); short protein forms C708Y.
Identifiers: ClinVar variation 3232473 (VCV003232473.1), dbSNP rs2139569560, ClinGen allele CA390441627.
Genomic context (GRCh38, chr14:75,047,533, plus strand): 5'-CTACTATCATTGGAAACGTGTCTATACCAGGGGAAAGAGGGGGATGTATCAGATAATATG[C>T]AATCTGTTTGTGATTTTTTGCTACCTTCCTGAAAAGCAGAAAACATTGTATAAGTTGCTG-3'
Protein context (NP_001035197.1, residues 698-718): QEGSKKSQTD[Cys708Tyr]ILSDTSPSFP